The following is an entry in ClinVar:

ClinVar aggregate classification (germline): Uncertain significance (1 of 4 stars; one submission).

Submission:

GeneDx
Classification: Uncertain significance. Last evaluated: 2025-02-20. Review status: criteria provided, single submitter. Criteria: GeneDx Variant Classification Process June 2021. Collection method: clinical testing. Allele origin: germline. Affected: yes.
Comment: Not observed at significant frequency in large population cohorts (gnomAD); In silico analysis supports that this missense variant has a deleterious effect on protein structure/function; Has not been previously published as pathogenic or benign to our knowledge

NM_018896.5(CACNA1G):c.6988T>G (p.Cys2330Gly)

Gene: CACNA1G (calcium voltage-gated channel subunit alpha1 G; plus strand). Cytogenetic location: 17q21.33.
Variant type: single nucleotide variant.
Coding change: c.6988T>G on transcript NM_018896.5 (MANE Select); coding-DNA position 6988, T replaced by G.
Protein change: p.Cys2330Gly; replaces cysteine 2330 with glycine.
Molecular consequence: missense variant. On other transcripts: non-coding transcript variant (5).
Genome position (GRCh38, 1-based): chr17:50,626,605, T>G. VCF-style: chr17-50626605-T-G. GRCh37 (hg19) VCF-style: chr17-48703966-T-G.
Other names: c.6799T>G, p.Cys2267Gly (NM_001256324.2); c.6730T>G, p.Cys2244Gly (NM_001256325.2); c.6718T>G, p.Cys2240Gly (NM_001256326.2); c.6688T>G, p.Cys2230Gly (NM_001256327.2); c.6634T>G, p.Cys2212Gly (NM_001256328.2); c.6607T>G, p.Cys2203Gly (NM_001256329.2, NM_198387.3); c.6574T>G, p.Cys2192Gly (NM_001256330.2); c.6553T>G, p.Cys2185Gly (NM_001256331.2); and 18 more; short protein forms C2124G, C2147G, C2158G, C2180G, C2185G, C2192G, C2196G, C2199G.
Identifiers: ClinVar variation 4076625 (VCV004076625.1).